The following is an entry in ClinVar:

NM_022455.5(NSD1):c.659G>A (p.Gly220Asp)

Gene: NSD1 (nuclear receptor binding SET domain protein 1; plus strand). Cytogenetic location: 5q35.3.
Variant type: single nucleotide variant.
Coding change: c.659G>A on transcript NM_022455.5 (MANE Select); coding-DNA position 659, G replaced by A.
Protein change: p.Gly220Asp; replaces glycine 220 with aspartic acid.
Molecular consequence: missense variant. On other transcripts: intron variant (8).
Genome position (GRCh38, 1-based): chr5:177,135,762, G>A. VCF-style: chr5-177135762-G-A. GRCh37 (hg19) VCF-style: chr5-176562763-G-A.
Other names: c.659G>A, p.Gly220Asp (NM_001409301.1, NM_001409302.1, NM_001409303.1); c.418-179G>A (NM_001409304.1); c.-36-179G>A (NM_001409305.1, NM_001409306.1, NM_001409308.1 and 4 more transcripts); short protein forms G220D.
Identifiers: ClinVar variation 3340658 (VCV003340658.1).
Genomic context (GRCh38, chr5:177,135,762, plus strand): 5'-AGAATGGTGTAAAAGTGGCCATGGGAAGTGAACAAGACAGCACACCAGAGAGTAGACACG[G>A]TGCAGTCAAATCGCCATTCTTGCCATTAGCTCCTCAGACTGAAACACAGAAAAATAAGCA-3'
Protein context (NP_071900.2, residues 210-230): EQDSTPESRH[Gly220Asp]AVKSPFLPLA

ClinVar aggregate classification (germline): Uncertain significance (1 of 4 stars; one submission).

Submission:

GeneDx
Classification: Uncertain significance. Last evaluated: 2023-06-21. Review status: criteria provided, single submitter. Criteria: GeneDx Variant Classification Process June 2021. Collection method: clinical testing. Allele origin: germline. Affected: yes.
Comment: Not observed at significant frequency in large population cohorts (gnomAD); In silico analysis supports that this missense variant does not alter protein structure/function; Has not been previously published as pathogenic or benign to our knowledge